The following is an entry in ClinVar:

ClinVar aggregate classification (germline): Conflicting classifications of pathogenicity. Review status: criteria provided, conflicting classifications (1 of 4 stars). 6 submissions from 6 submitters: Uncertain significance (5); Likely benign (1). Last evaluated 2025-07-30.

Conditions:
Hereditary cancer-predisposing syndrome. Also called: Tumor predisposition; Hereditary neoplastic syndrome; Neoplastic Syndromes, Hereditary; Hereditary Cancer Syndrome. Identifiers: Orphanet 140162, MedGen C0027672, MeSH D009386, MONDO:0015356.
Multiple endocrine neoplasia, type 1 (MEN1). Also called: MEN I; WERMER SYNDROME; Endocrine adenomatosis multiple; MEN 1; MEA I. Identifiers: Orphanet 652, MedGen C0025267, MeSH D018761, MONDO:0007540, OMIM 131100.

Allele frequency attached by ClinVar (database versions not stated): gnomAD exomes below 0.00001; ExAC 0.00001; TOPMed 0.00002.

Submissions (6):

Labcorp Genetics (formerly Invitae), Labcorp
Classification: Likely benign for Multiple endocrine neoplasia, type 1. Last evaluated: 2025-07-30. Review status: criteria provided, single submitter. Criteria: Invitae Variant Classification Sherloc (09022015). Collection method: clinical testing. Allele origin: germline.

Ambry Genetics
Classification: Uncertain significance for Hereditary cancer-predisposing syndrome. Last evaluated: 2024-08-08. Review status: criteria provided, single submitter. Criteria: Ambry Variant Classification Scheme 2023. Collection method: clinical testing. Allele origin: germline.
Comment: The p.R389Q variant (also known as c.1166G>A), located in coding exon 7 of the MEN1 gene, results from a G to A substitution at nucleotide position 1166. The arginine at codon 389 is replaced by glutamine, an amino acid with highly similar properties. This amino acid position is well conserved in available vertebrate species. In addition, the in silico prediction for this alteration is inconclusive. Based on the available evidence, the clinical significance of this variant remains unclear.

Baylor Genetics
Classification: Uncertain significance for Multiple Endocrine Neoplasia Type 1. Last evaluated: 2024-02-27. Review status: criteria provided, single submitter. Criteria: ACMG Guidelines, 2015. Collection method: clinical testing. Allele origin: unknown.

All of Us Research Program, National Institutes of Health
Classification: Uncertain significance for Multiple endocrine neoplasia, type 1. Last evaluated: 2023-06-26. Review status: criteria provided, single submitter. Criteria: ACMG Guidelines, 2015. Collection method: clinical testing. Allele origin: germline. Inheritance: Autosomal dominant inheritance. Observed: 1 variant allele, 1 heterozygote.
Comment: This missense variant replaces arginine with glutamine at codon 389 of the MEN1 protein. Computational prediction suggests that this variant may not impact protein structure and function (internally defined REVEL score threshold <= 0.5, PMID: 27666373). To our knowledge, functional studies have not been reported for this variant. This variant has not been reported in individuals affected with MEN1-related disorders in the literature. This variant has been identified in 3/282496 chromosomes in the general population by the Genome Aggregation Database (gnomAD). The available evidence is insufficient to determine the role of this variant in disease conclusively. Therefore, this variant is classified as a Variant of Uncertain Significance.

This study involves interpretation of variants in research participants for the purpose of population health screening. Participant phenotype was not available at the time of variant classification. Additional details can be found in publication PMID: 35346344, PMCID: PMC8962531

Revvity Omics, Revvity
Classification: Uncertain significance for Multiple endocrine neoplasia, type 1. Last evaluated: 2022-10-11. Review status: criteria provided, single submitter. Criteria: ACMG Guidelines, 2015. Collection method: clinical testing. Allele origin: germline.

Fulgent Genetics
Classification: Uncertain significance for Multiple endocrine neoplasia, type 1. Last evaluated: 2018-10-31. Review status: criteria provided, single submitter. Criteria: ACMG Guidelines, 2015. Collection method: clinical testing. Allele origin: unknown.

NM_001370259.2(MEN1):c.1166G>A (p.Arg389Gln)

Gene: MEN1 (menin 1; minus strand). Cytogenetic location: 11q13.1.
Variant type: single nucleotide variant.
Coding change: c.1166G>A on transcript NM_001370259.2 (MANE Select); coding-DNA position 1166, G replaced by A.
Protein change: p.Arg389Gln; replaces arginine 389 with glutamine.
Molecular consequence: missense variant.
Genome position (GRCh38, 1-based): chr11:64,805,654, C>T on the plus strand (G>A on the coding strand, the complement: MEN1 is on the minus strand). VCF-style: chr11-64805654-C-T. GRCh37 (hg19) VCF-style: chr11-64573126-C-T.
Other names: c.1181G>A, p.Arg394Gln (NM_000244.4, NM_130800.3, NM_130801.3 and 3 more transcripts); c.1292G>A, p.Arg431Gln (NM_001370251.2); c.1166G>A, p.Arg389Gln (NM_001370260.2, NM_001370261.2, NM_130799.3); c.1061G>A, p.Arg354Gln (NM_001370262.2, NM_001370263.2); short protein forms R394Q, R389Q, R354Q, R431Q.
Identifiers: ClinVar variation 220268 (VCV000220268.20), dbSNP rs775267651, ClinGen allele CA060070.